The following is an entry in ClinVar:

ClinVar aggregate classification (germline): Benign/Likely benign. Review status: criteria provided, multiple submitters, no conflicts (2 of 4 stars). 4 submissions from 4 submitters: Benign (1); Likely benign (3). Last evaluated 2025-10-23.

Conditions:
Hereditary cancer-predisposing syndrome. Also called: Tumor predisposition; Hereditary neoplastic syndrome; Neoplastic Syndromes, Hereditary; Hereditary Cancer Syndrome. Identifiers: Orphanet 140162, MedGen C0027672, MeSH D009386, MONDO:0015356.
Oligodontia-cancer predisposition syndrome. Also called: TOOTH AGENESIS-COLORECTAL CANCER SYNDROME. Identifiers: Orphanet 300576, MedGen C1837750, MONDO:0012075, OMIM 608615. Disease mechanism: loss of function.

Allele frequency attached by ClinVar (database versions not stated): gnomAD exomes below 0.00001; ExAC 0.00001.
gnomAD v4.1: 2 of 1,614,076 alleles (0.00012%); highest among the groups gnomAD compares: Non-Finnish European, 0.00017%; no homozygotes.

Submissions (4):

Labcorp Genetics (formerly Invitae), Labcorp
Classification: Likely benign for Oligodontia-cancer predisposition syndrome. Last evaluated: 2025-10-23. Review status: criteria provided, single submitter. Criteria: Invitae Variant Classification Sherloc (09022015). Collection method: clinical testing. Allele origin: germline.

Myriad Genetics, Inc.
Classification: Benign for Oligodontia-cancer predisposition syndrome. Last evaluated: 2024-06-28. Review status: criteria provided, single submitter. Criteria: Myriad Autosomal Dominant, Autosomal Recessive and X-Linked Classification Criteria (2023). Collection method: clinical testing. Allele origin: unknown.
Comment: This variant is considered benign. This variant is a silent/synonymous amino acid change and it is not expected to impact splicing.

Ambry Genetics
Classification: Likely benign for Hereditary cancer-predisposing syndrome. Last evaluated: 2022-02-24. Review status: criteria provided, single submitter. Criteria: Ambry Variant Classification Scheme 2023. Collection method: clinical testing. Allele origin: germline.

GeneDx
Classification: Likely benign. Last evaluated: 2015-12-04. Review status: criteria provided, single submitter. Criteria: GeneDx Variant Classification (06012015). Collection method: clinical testing. Allele origin: germline. Affected: yes.
Comment: This variant is considered likely benign or benign based on one or more of the following criteria: it is a conservative change, it occurs at a poorly conserved position in the protein, it is predicted to be benign by multiple in silico algorithms, and/or has population frequency not consistent with disease.

NM_004655.4(AXIN2):c.984C>T (p.Gly328=)

Gene: AXIN2 (axin 2; minus strand). Cytogenetic location: 17q24.1.
Variant type: single nucleotide variant.
Coding change: c.984C>T on transcript NM_004655.4 (MANE Select); coding-DNA position 984, C replaced by T.
Protein change: p.Gly328=; no amino-acid change (glycine 328 retained).
Molecular consequence: synonymous variant.
Genome position (GRCh38, 1-based): chr17:65,541,530, G>A on the plus strand (C>T on the coding strand, the complement: AXIN2 is on the minus strand). VCF-style: chr17-65541530-G-A. GRCh37 (hg19) VCF-style: chr17-63537648-G-A.
Other names: c.984C>T (LRG_296t1); c.984C>T, p.Gly328= (NM_001363813.1).
Identifiers: ClinVar variation 382159 (VCV000382159.13), dbSNP rs753870536, ClinGen allele CA8718908.